The following is an entry in ClinVar:

NM_002857.4(PEX19):c.37G>C (p.Glu13Gln)

Gene: PEX19 (peroxisomal biogenesis factor 19; minus strand). Cytogenetic location: 1q23.2.
Variant type: single nucleotide variant.
Coding change: c.37G>C on transcript NM_002857.4 (MANE Select); coding-DNA position 37, G replaced by C.
Protein change: p.Glu13Gln; replaces glutamic acid 13 with glutamine.
Molecular consequence: missense variant. On other transcripts: non-coding transcript variant (2).
Genome position (GRCh38, 1-based): chr1:160,285,088, C>G on the plus strand (G>C on the coding strand, the complement: PEX19 is on the minus strand). VCF-style: chr1-160285088-C-G. GRCh37 (hg19) VCF-style: chr1-160254878-C-G.
Other names: c.37G>C, p.Glu13Gln (NM_001193644.1); short protein forms E13Q.
Identifiers: ClinVar variation 1024823 (VCV001024823.6), dbSNP rs868021380, ClinGen allele CA343265928.

ClinVar aggregate classification (germline): Uncertain significance (1 of 4 stars; one submission).

Conditions:
Peroxisome biogenesis disorder 12A (Zellweger). Also called: Peroxisome biogenesis disorder 12A. Identifiers: Orphanet 912, MedGen C3554002, MONDO:0013951, OMIM 614886.

Allele frequency attached by ClinVar (database versions not stated): gnomAD 0.00001; gnomAD exomes 0.00001.

Submission:

Labcorp Genetics (formerly Invitae), Labcorp
Classification: Uncertain significance for Peroxisome biogenesis disorder 12A (Zellweger). Last evaluated: 2022-04-30. Review status: criteria provided, single submitter. Criteria: Invitae Variant Classification Sherloc (09022015). Collection method: clinical testing. Allele origin: germline.
Comment: This sequence change replaces glutamic acid, which is acidic and polar, with glutamine, which is neutral and polar, at codon 13 of the PEX19 protein (p.Glu13Gln). This variant is present in population databases (no rsID available, gnomAD 0.002%). This variant has not been reported in the literature in individuals affected with PEX19-related conditions. ClinVar contains an entry for this variant (Variation ID: 1024823). Algorithms developed to predict the effect of missense changes on protein structure and function are either unavailable or do not agree on the potential impact of this missense change (SIFT: "Tolerated"; PolyPhen-2: "Possibly Damaging"; Align-GVGD: "Class C0"). In summary, the available evidence is currently insufficient to determine the role of this variant in disease. Therefore, it has been classified as a Variant of Uncertain Significance.